The following is an entry in ClinVar:

ClinVar aggregate classification (germline): Uncertain significance (1 of 4 stars; one submission).

Allele frequency attached by ClinVar (database versions not stated): gnomAD 0.00001; gnomAD exomes 0.00001; TOPMed 0.00001.

Submission:

Labcorp Genetics (formerly Invitae), Labcorp
Classification: Uncertain significance. Last evaluated: 2021-03-10. Review status: criteria provided, single submitter. Criteria: Invitae Variant Classification Sherloc (09022015). Collection method: clinical testing. Allele origin: germline.
Comment: This sequence change replaces arginine with lysine at codon 195 of the PLAA protein (p.Arg195Lys). The arginine residue is highly conserved and there is a small physicochemical difference between arginine and lysine. In summary, the available evidence is currently insufficient to determine the role of this variant in disease. Therefore, it has been classified as a Variant of Uncertain Significance. Algorithms developed to predict the effect of missense changes on protein structure and function (SIFT, PolyPhen-2, Align-GVGD) all suggest that this variant is likely to be disruptive, but these predictions have not been confirmed by published functional studies and their clinical significance is uncertain. This variant has not been reported in the literature in individuals with PLAA-related conditions. This variant is not present in population databases (ExAC no frequency).

NM_001031689.3(PLAA):c.584G>A (p.Arg195Lys)

Gene: PLAA (phospholipase A2 activating protein; minus strand). Cytogenetic location: 9p21.2.
Variant type: single nucleotide variant.
Coding change: c.584G>A on transcript NM_001031689.3 (MANE Select); coding-DNA position 584, G replaced by A.
Protein change: p.Arg195Lys; replaces arginine 195 with lysine.
Molecular consequence: missense variant.
Genome position (GRCh38, 1-based): chr9:26,926,542, C>T on the plus strand (G>A on the coding strand, the complement: PLAA is on the minus strand). VCF-style: chr9-26926542-C-T. GRCh37 (hg19) VCF-style: chr9-26926540-C-T.
Other names: c.584G>A, p.Arg195Lys (NM_001321546.2); short protein forms R195K.
Identifiers: ClinVar variation 1486708 (VCV001486708.8), dbSNP rs957863558, ClinGen allele CA191313467.